The following is an entry in ClinVar:

ClinVar aggregate classification (germline): Likely benign (1 of 4 stars; one submission).

Submission:

CeGaT Center for Human Genetics Tuebingen
Classification: Likely benign. Last evaluated: 2022-03-01. Review status: criteria provided, single submitter. Criteria: CeGaT Center For Human Genetics Tuebingen Variant Classification Criteria Version 2. Collection method: clinical testing. Allele origin: germline. Affected: yes. Observed: 1 variant allele.
Comment: CHIT1: BP4, BP7

NM_003465.3(CHIT1):c.546A>T (p.Ala182=)

Gene: CHIT1 (chitinase 1; minus strand). Cytogenetic location: 1q32.1.
Variant type: single nucleotide variant.
Coding change: c.546A>T on transcript NM_003465.3 (MANE Select); coding-DNA position 546, A replaced by T.
Protein change: p.Ala182=; no amino-acid change (alanine 182 retained).
Molecular consequence: synonymous variant. On other transcripts: non-coding transcript variant (2).
Genome position (GRCh38, 1-based): chr1:203,223,194, T>A on the plus strand (A>T on the coding strand, the complement: CHIT1 is on the minus strand). VCF-style: chr1-203223194-T-A. GRCh37 (hg19) VCF-style: chr1-203192322-T-A.
Other names: c.489A>T, p.Ala163= (NM_001256125.2).
Identifiers: ClinVar variation 2639816 (VCV002639816.24), dbSNP rs1450535484, ClinGen allele CA422652735.
Genomic context (GRCh38, chr1:203,223,194, plus strand): 5'-CTGGGCGATTTTGTCCACCTCGTATCCAGCATCCACATAGGTCTGCCCAGCTGGAACCGC[T>A]GCACTCAGAAGAAGGCGTTCCTTCCCTGAGGTCTGGGCTTCCTGCTGGAAGGCATTGGCC-3'
Protein context (NP_003456.1, residues 172-192): TSGKERLLLS[Ala182=]AVPAGQTYVD